The following is an entry in ClinVar:

ClinVar aggregate classification (germline): Benign/Likely benign. Review status: criteria provided, multiple submitters, no conflicts (2 of 4 stars). 13 submissions from 13 submitters: Benign (9); Likely benign (2). 2 of the submissions do not count toward it. Last evaluated 2026-10-01.

Conditions:
THBD-related disorder. Also called: THBD-related condition.
Kidney disorder. Also called: Kidney disease; Kidney Diseases; renal disease; Nephropathy; renal disorder. Identifiers: MedGen C0022658, MONDO:0005240, HP:0000112.
Thrombomodulin-related bleeding disorder (THPH12). Also called: Thrombophilia due to thrombomodulin defect. Identifiers: Orphanet 436169, MedGen C3280976, MONDO:0013775, OMIM 614486.
Atypical hemolytic-uremic syndrome with thrombomodulin anomaly. Also called: HEMOLYTIC UREMIC SYNDROME, ATYPICAL, SUSCEPTIBILITY TO, 6; AHUS, SUSCEPTIBILITY TO, 6. Identifiers: MedGen C2752036, MONDO:0013044, OMIM 612926. Disease mechanism: gain of function.

Allele frequency attached by ClinVar (database versions not stated): TOPMed 0.00563; gnomAD 0.00281 and 0.00289; 1000 Genomes Project 0.00519; gnomAD exomes 0.00838 and 0.00195; 1000 Genomes Project 30x 0.00531; ExAC 0.00764.
gnomAD v4.1: 3,259 of 1,612,354 alleles (0.2%); highest among the groups gnomAD compares: Admixed American, 4%; 79 homozygotes.

Submissions (13):

CeGaT Center for Human Genetics Tuebingen
Classification: Benign. Last evaluated: 2026-10-01. Review status: criteria provided, single submitter. Criteria: CeGaT Center For Human Genetics Tuebingen Variant Classification Criteria Version 2. Collection method: clinical testing. Allele origin: germline. Affected: yes. Observed: 7 variant alleles.
Comment: THBD: BP4, BS1, BS2

Labcorp Genetics (formerly Invitae), Labcorp
Classification: Benign. Last evaluated: 2026-02-03. Review status: criteria provided, single submitter. Criteria: Invitae Variant Classification Sherloc (09022015). Collection method: clinical testing. Allele origin: germline.

Women's Health and Genetics/Laboratory Corporation of America, LabCorp
Classification: Likely benign. Last evaluated: 2026-01-22. Review status: criteria provided, single submitter. Criteria: LabCorp Variant Classification Summary - May 2015. Collection method: clinical testing. Allele origin: germline.

Genomenon, Inc
Classification: Benign for Thrombomodulin-related bleeding disorder. Last evaluated: 2025-09-22. Review status: criteria provided, single submitter. Criteria: Genomenon Sequence Variant Interpretation Standards - Updated. Collection method: curation. Allele origin: germline. Affected: no.
Comment: THBD p.Asp486Tyr (c.1456G>T) is a missense variant that changes the amino acid at residue 486 from Aspartic acid to Tyrosine. This variant is present at high allele frequency in population databases. In conclusion, we classify THBD p.Asp486Tyr (c.1456G>T) as a benign variant.

Blueprint Genetics
Classification: Likely benign. Last evaluated: 2024-11-26. Review status: criteria provided, single submitter. Criteria: ACMG Guidelines, 2015. Collection method: clinical testing. Allele origin: germline.

Mayo Clinic Laboratories, Mayo Clinic
Classification: Benign. Last evaluated: 2022-11-16. Review status: criteria provided, single submitter. Criteria: ACMG Guidelines, 2015. Collection method: clinical testing. Allele origin: germline. Observed: 35 variant alleles.
Comment: BA1

GeneDx
Classification: Benign. Last evaluated: 2020-07-27. Review status: criteria provided, single submitter. Criteria: GeneDx Variant Classification (06012015). Collection method: clinical testing. Allele origin: germline. Affected: yes.
Comment: This variant is associated with the following publications: (PMID: 26034596, 7811989, 19625716, 25135378, 20595690, 23332921)

Genome Diagnostics Laboratory, The Hospital for Sick Children
Classification: Benign for Kidney disorder. Last evaluated: 2020-03-01. Review status: criteria provided, single submitter. Criteria: ACMG Guidelines, 2015. Collection method: clinical testing. Allele origin: germline.

Genetic Services Laboratory, University of Chicago
Classification: Benign. Last evaluated: 2019-10-24. Review status: criteria provided, single submitter. Criteria: ACMG Guidelines, 2015. Collection method: clinical testing. Allele origin: germline. Affected: no.

Illumina Laboratory Services, Illumina
Classification: Benign for Atypical hemolytic-uremic syndrome with thrombomodulin anomaly. Last evaluated: 2017-04-27. Review status: criteria provided, single submitter. Criteria: ICSL Variant Classification Criteria 13 December 2019. Collection method: clinical testing. Allele origin: germline.
Comment: This variant was observed as part of a predisposition screen in an ostensibly healthy population. A literature search was performed for the gene, cDNA change, and amino acid change (where applicable). No publications were found based on this search. Allele frequency data from public databases was too high to be consistent with this variant causing disease. Therefore, this variant is classified as benign.

Breakthrough Genomics
Classification: Benign. Review status: criteria provided, single submitter. Criteria: ACMG Guidelines, 2015. Collection method: not provided. Allele origin: germline. Inheritance: Autosomal dominant inheritance. Affected: yes.

PreventionGenetics, part of Exact Sciences
Classification: Benign for THBD-related condition. Last evaluated: 2021-06-05. Review status: no assertion criteria provided. Collection method: clinical testing. Allele origin: germline. Not counted in ClinVar's aggregate classification.
Comment: This variant is classified as benign based on ACMG/AMP sequence variant interpretation guidelines (Richards et al. 2015 PMID: 25741868, with internal and published modifications).

OMIM
Classification: Uncertain significance for RECLASSIFIED - VARIANT OF UNKNOWN SIGNIFICANCE. Last evaluated: 2002-08-01. Review status: flagged submission. Collection method: literature only. Allele origin: germline. Not counted in ClinVar's aggregate classification.
ClinVar note: Reason: Older and outlier claim with insufficient supporting evidence

Literature cited by the submitters: PubMed 10460600 (cited by OMIM); PubMed 11986219 (cited by OMIM); PubMed 7811989 (cited by OMIM); PubMed 12139752 (cited by OMIM).

NM_000361.3(THBD):c.1456G>T (p.Asp486Tyr)

Gene: THBD (thrombomodulin; minus strand). Cytogenetic location: 20p11.21.
Variant type: single nucleotide variant.
Coding change: c.1456G>T on transcript NM_000361.3 (MANE Select); coding-DNA position 1456, G replaced by T.
Protein change: p.Asp486Tyr; replaces aspartic acid 486 with tyrosine.
Molecular consequence: missense variant.
Genome position (GRCh38, 1-based): chr20:23,048,049, C>A on the plus strand (G>T on the coding strand, the complement: THBD is on the minus strand). VCF-style: chr20-23048049-C-A. GRCh37 (hg19) VCF-style: chr20-23028686-C-A.
Other names: D468Y; short protein forms D486Y.
Identifiers: ClinVar variation 12714 (VCV000012714.42), dbSNP rs41348347, ClinGen allele CA122642.